The following is an entry in ClinVar:

ClinVar aggregate classification (germline): Uncertain significance. Review status: criteria provided, multiple submitters, no conflicts (2 of 4 stars). 2 submissions from 2 submitters: Uncertain significance (2). Last evaluated 2025-04-11.

Conditions:
Inborn genetic diseases. Identifiers: MedGen C0950123, MeSH D030342.

Allele frequency attached by ClinVar (database versions not stated): gnomAD exomes 0.00001; TOPMed 0.00008; ExAC 0.00009; gnomAD 0.00009; 1000 Genomes Project 30x 0.00031; 1000 Genomes Project 0.00040.
gnomAD v4.1: 33 of 1,603,114 alleles (0.0021%); highest among the groups gnomAD compares: African/African-American, 0.017%; no homozygotes.

Submissions (2):

Labcorp Genetics (formerly Invitae), Labcorp
Classification: Uncertain significance. Last evaluated: 2025-04-11. Review status: criteria provided, single submitter. Criteria: Invitae Variant Classification Sherloc (09022015). Collection method: clinical testing. Allele origin: germline.
Comment: This sequence change replaces arginine, which is basic and polar, with cysteine, which is neutral and slightly polar, at codon 2795 of the COL7A1 protein (p.Arg2795Cys). The frequency data for this variant in the population databases is considered unreliable, as metrics indicate poor data quality at this position in the gnomAD database. This variant has not been reported in the literature in individuals affected with COL7A1-related conditions. ClinVar contains an entry for this variant (Variation ID: 2141919). Invitae Evidence Modeling of protein sequence and biophysical properties (such as structural, functional, and spatial information, amino acid conservation, physicochemical variation, residue mobility, and thermodynamic stability) has been performed for this missense variant. However, the output from this modeling did not meet the statistical confidence thresholds required to predict the impact of this variant on COL7A1 protein function. In summary, the available evidence is currently insufficient to determine the role of this variant in disease. Therefore, it has been classified as a Variant of Uncertain Significance.

Ambry Genetics
Classification: Uncertain significance for Inborn genetic diseases. Last evaluated: 2021-08-04. Review status: criteria provided, single submitter. Criteria: Ambry Variant Classification Scheme 2023. Collection method: clinical testing. Allele origin: germline.

NM_000094.4(COL7A1):c.8383C>T (p.Arg2795Cys)

Gene: COL7A1 (collagen type VII alpha 1 chain; minus strand). Cytogenetic location: 3p21.31.
Variant type: single nucleotide variant.
Coding change: c.8383C>T on transcript NM_000094.4 (MANE Select); coding-DNA position 8383, C replaced by T.
Protein change: p.Arg2795Cys; replaces arginine 2795 with cysteine.
Molecular consequence: missense variant.
Genome position (GRCh38, 1-based): chr3:48,566,291, G>A on the plus strand (C>T on the coding strand, the complement: COL7A1 is on the minus strand). VCF-style: chr3-48566291-G-A. GRCh37 (hg19) VCF-style: chr3-48603724-G-A.
Other names: short protein forms R2795C.
Identifiers: ClinVar variation 2141919 (VCV002141919.3), dbSNP rs574446079, ClinGen allele CA2378042.